The following is an entry in ClinVar:

NM_004279.3(PMPCB):c.100-8C>T

Gene: PMPCB (peptidase, mitochondrial processing subunit beta; plus strand). Cytogenetic location: 7q22.1.
Variant type: single nucleotide variant.
Coding change: c.100-8C>T on transcript NM_004279.3 (MANE Select); 8 bases into the intron before coding-DNA position 100, C replaced by T.
Molecular consequence: intron variant.
Genome position (GRCh38, 1-based): chr7:103,298,560, C>T. VCF-style: chr7-103298560-C-T. GRCh37 (hg19) VCF-style: chr7-102939007-C-T.
Identifiers: ClinVar variation 1176867 (VCV001176867.41), dbSNP rs201898944, ClinGen allele CA4417842.

ClinVar aggregate classification (germline): Benign/Likely benign. Review status: criteria provided, multiple submitters, no conflicts (2 of 4 stars). 2 submissions from 2 submitters: Benign (1); Likely benign (1). Last evaluated 2026-01-05.

Allele frequency attached by ClinVar (database versions not stated): 1000 Genomes Project 30x 0.00016; 1000 Genomes Project 0.00020; ESP Exome Variant Server 0.00062.
gnomAD v4.1: 1,389 of 1,613,338 alleles (0.086%); highest among the groups gnomAD compares: Non-Finnish European, 0.059%; 3 homozygotes.

Submissions (2):

Labcorp Genetics (formerly Invitae), Labcorp
Classification: Benign. Last evaluated: 2026-01-05. Review status: criteria provided, single submitter. Criteria: Invitae Variant Classification Sherloc (09022015). Collection method: clinical testing. Allele origin: germline.

CeGaT Center for Human Genetics Tuebingen
Classification: Likely benign. Last evaluated: 2024-07-01. Review status: criteria provided, single submitter. Criteria: CeGaT Center For Human Genetics Tuebingen Variant Classification Criteria Version 2. Collection method: clinical testing. Allele origin: germline. Affected: yes. Observed: 2 variant alleles.
Comment: PMPCB: BP4